The following is an entry in ClinVar:

NM_000465.4(BARD1):c.618A>G (p.Gln206=)

Gene: BARD1 (BRCA1 associated RING domain 1; minus strand). Cytogenetic location: 2q35.
Variant type: single nucleotide variant.
Coding change: c.618A>G on transcript NM_000465.4 (MANE Select); coding-DNA position 618, A replaced by G.
Protein change: p.Gln206=; no amino-acid change (glutamine 206 retained).
Molecular consequence: synonymous variant. On other transcripts: non-coding transcript variant (2), intron variant (3).
Genome position (GRCh38, 1-based): chr2:214,781,256, T>C on the plus strand (A>G on the coding strand, the complement: BARD1 is on the minus strand). VCF-style: chr2-214781256-T-C. GRCh37 (hg19) VCF-style: chr2-215645980-T-C.
Other names: c.561A>G, p.Gln187= (NM_001282543.2); c.158+28156A>G (NM_001282548.2); c.215+15805A>G (NM_001282545.2); c.364+11041A>G (NM_001282549.2).
Identifiers: ClinVar variation 629734 (VCV000629734.15), dbSNP rs1559425566, ClinGen allele CA431391712.

ClinVar aggregate classification (germline): Benign/Likely benign. Review status: criteria provided, multiple submitters, no conflicts (2 of 4 stars). 4 submissions from 4 submitters: Benign (1); Likely benign (3). Last evaluated 2024-12-02.

Conditions:
Hereditary cancer-predisposing syndrome. Also called: Neoplastic Syndromes, Hereditary; Tumor predisposition; Hereditary neoplastic syndrome; Hereditary Cancer Syndrome. Identifiers: Orphanet 140162, MedGen C0027672, MeSH D009386, MONDO:0015356.
Familial cancer of breast. Also called: BREAST CANCER, FAMILIAL; Hereditary breast cancer; hereditary breast carcinoma. Identifiers: Orphanet 227535, MedGen C0346153, MONDO:0016419, OMIM 114480. Disease mechanism: loss of function.

Submissions (4):

Labcorp Genetics (formerly Invitae), Labcorp
Classification: Likely benign for Familial cancer of breast. Last evaluated: 2024-12-02. Review status: criteria provided, single submitter. Criteria: Invitae Variant Classification Sherloc (09022015). Collection method: clinical testing. Allele origin: germline.

Myriad Genetics, Inc.
Classification: Benign for Familial cancer of breast. Last evaluated: 2024-07-22. Review status: criteria provided, single submitter. Criteria: Myriad Autosomal Dominant, Autosomal Recessive and X-Linked Classification Criteria (2023). Collection method: clinical testing. Allele origin: unknown.
Comment: This variant is considered benign. This variant is a silent/synonymous amino acid change and it is not expected to impact splicing.

Ambry Genetics
Classification: Likely benign for Hereditary cancer-predisposing syndrome. Last evaluated: 2022-09-10. Review status: criteria provided, single submitter. Criteria: Ambry Variant Classification Scheme 2023. Collection method: clinical testing. Allele origin: germline.

Color Diagnostics, LLC DBA Color Health
Classification: Likely benign for Hereditary cancer-predisposing syndrome. Last evaluated: 2018-10-19. Review status: criteria provided, single submitter. Criteria: ACMG Guidelines, 2015. Collection method: clinical testing. Allele origin: germline.